The following is an entry in ClinVar:

ClinVar aggregate classification (germline): Likely benign. Review status: criteria provided, multiple submitters, no conflicts (2 of 4 stars). 2 submissions from 2 submitters: Likely benign (2). Last evaluated 2025-12-23.

Conditions:
DLC1-related disorder. Also called: DLC1-related condition.

Allele frequency attached by ClinVar (database versions not stated): TOPMed 0.00001; gnomAD 0.00009; 1000 Genomes Project 30x 0.00016; gnomAD exomes 0.00017; 1000 Genomes Project 0.00020; ExAC 0.00035.
gnomAD v4.1: 265 of 1,614,026 alleles (0.016%); highest among the groups gnomAD compares: South Asian, 0.28%; 3 homozygotes.

Submissions (2):

PreventionGenetics, part of Exact Sciences
Classification: Likely benign for DLC1-related condition. Last evaluated: 2025-12-23. Review status: criteria provided, single submitter. Criteria: ACMG Guidelines, 2015. Collection method: clinical testing. Allele origin: germline.
Comment: This variant is classified as likely benign based on ACMG/AMP sequence variant interpretation guidelines (Richards et al. 2015 PMID: 25741868, with internal and published modifications).

Labcorp Genetics (formerly Invitae), Labcorp
Classification: Likely benign. Last evaluated: 2024-07-16. Review status: criteria provided, single submitter. Criteria: Invitae Variant Classification Sherloc (09022015). Collection method: clinical testing. Allele origin: germline.

NM_182643.3(DLC1):c.3164G>C (p.Ser1055Thr)

Gene: DLC1 (DLC1 Rho GTPase activating protein; minus strand). Cytogenetic location: 8p22.
Variant type: single nucleotide variant.
Coding change: c.3164G>C on transcript NM_182643.3 (MANE Select); coding-DNA position 3164, G replaced by C.
Protein change: p.Ser1055Thr; replaces serine 1055 with threonine.
Molecular consequence: missense variant.
Genome position (GRCh38, 1-based): chr8:13,098,402, C>G on the plus strand (G>C on the coding strand, the complement: DLC1 is on the minus strand). VCF-style: chr8-13098402-C-G. GRCh37 (hg19) VCF-style: chr8-12955911-C-G.
Other names: c.1631G>C, p.Ser544Thr (NM_001164271.2, NM_001348082.2, NM_001348083.1 and 6 more transcripts); c.1955G>C, p.Ser652Thr (NM_001316668.2, NM_001413129.1); c.3164G>C, p.Ser1055Thr (NM_001348081.2, NM_001413124.1); c.1946G>C, p.Ser649Thr (NM_001413130.1); c.1604G>C, p.Ser535Thr (NM_001413131.1, NM_001413137.1); c.2090G>C, p.Ser697Thr (NM_001413132.1); c.1853G>C, p.Ser618Thr (NM_001413135.1, NM_001413136.1, NM_001413139.1 and 1 more transcripts); c.1988G>C, p.Ser663Thr (NM_001413140.1); and 1 more; short protein forms S652T, S663T, S697T, S535T, S1055T, S544T, S618T, S649T.
Identifiers: ClinVar variation 2156581 (VCV002156581.5), dbSNP rs570502670, ClinGen allele CA4638447.